The following is an entry in ClinVar:

ClinVar aggregate classification (germline): Uncertain significance. Review status: criteria provided, multiple submitters, no conflicts (2 of 4 stars). 2 submissions from 2 submitters: Uncertain significance (2). Last evaluated 2023-11-13.

Conditions:
IRF2BP2-related disorder. Also called: IRF2BP2-related condition.

Allele frequency attached by ClinVar (database versions not stated): gnomAD exomes below 0.00001.

Submissions (2):

Labcorp Genetics (formerly Invitae), Labcorp
Classification: Uncertain significance. Last evaluated: 2023-11-13. Review status: criteria provided, single submitter. Criteria: Invitae Variant Classification Sherloc (09022015). Collection method: clinical testing. Allele origin: germline.
Comment: This sequence change replaces tyrosine, which is neutral and polar, with cysteine, which is neutral and slightly polar, at codon 548 of the IRF2BP2 protein (p.Tyr548Cys). This variant is not present in population databases (gnomAD no frequency). This variant has not been reported in the literature in individuals affected with IRF2BP2-related conditions. ClinVar contains an entry for this variant (Variation ID: 2093280). An algorithm developed to predict the effect of missense changes on protein structure and function (PolyPhen-2) suggests that this variant is likely to be disruptive. Algorithms developed to predict the effect of sequence changes on RNA splicing suggest that this variant may create or strengthen a splice site. In summary, the available evidence is currently insufficient to determine the role of this variant in disease. Therefore, it has been classified as a Variant of Uncertain Significance.

PreventionGenetics, part of Exact Sciences
Classification: Uncertain significance for IRF2BP2-related condition. Last evaluated: 2023-06-30. Review status: criteria provided, single submitter. Criteria: ACMG Guidelines, 2015. Collection method: clinical testing. Allele origin: germline.
Comment: The IRF2BP2 c.1643A>G variant is predicted to result in the amino acid substitution p.Tyr548Cys. To our knowledge, this variant has not been reported in the literature or in a large population database, indicating this variant is rare. At this time, the clinical significance of this variant is uncertain due to the absence of conclusive functional and genetic evidence.

NM_182972.3(IRF2BP2):c.1643A>G (p.Tyr548Cys)

Gene: IRF2BP2 (interferon regulatory factor 2 binding protein 2; minus strand). Cytogenetic location: 1q42.3.
Variant type: single nucleotide variant.
Coding change: c.1643A>G on transcript NM_182972.3 (MANE Select); coding-DNA position 1643, A replaced by G.
Protein change: p.Tyr548Cys; replaces tyrosine 548 with cysteine.
Molecular consequence: missense variant.
Genome position (GRCh38, 1-based): chr1:234,607,258, T>C on the plus strand (A>G on the coding strand, the complement: IRF2BP2 is on the minus strand). VCF-style: chr1-234607258-T-C. GRCh37 (hg19) VCF-style: chr1-234743004-T-C.
Other names: c.1643A>G (NM_182972.2); c.1595A>G, p.Tyr532Cys (NM_001077397.1); short protein forms Y532C, Y548C.
Identifiers: ClinVar variation 2093280 (VCV002093280.5), dbSNP rs2528513127, ClinGen allele CA345305049.